The following is an entry in ClinVar:

NM_001010874.5(TECRL):c.377C>G (p.Ala126Gly)

Gene: TECRL (trans-2,3-enoyl-CoA reductase like; minus strand). Cytogenetic location: 4q13.1.
Variant type: single nucleotide variant.
Coding change: c.377C>G on transcript NM_001010874.5 (MANE Select); coding-DNA position 377, C replaced by G.
Protein change: p.Ala126Gly; replaces alanine 126 with glycine.
Molecular consequence: missense variant.
Genome position (GRCh38, 1-based): chr4:64,322,747, G>C on the plus strand (C>G on the coding strand, the complement: TECRL is on the minus strand). VCF-style: chr4-64322747-G-C. GRCh37 (hg19) VCF-style: chr4-65188465-G-C.
Other names: c.377C>G, p.Ala126Gly (NM_001363796.1); short protein forms A126G.
Identifiers: ClinVar variation 1734834 (VCV001734834.4), dbSNP rs758525510, ClinGen allele CA2935566.
Genomic context (GRCh38, chr4:64,322,747, plus strand): 5'-ACTGTGGTCCAACTGACTTGTTGACCTAGGTCTGTAGCATACAGTGTGACAATGGAGGAA[G>C]CTGCAATACTTTGAATGGTAATGTAGTCCTTCAAAAAAGGCCCGCCTAAAATAAAAATAA-3'
Protein context (NP_001010874.2, residues 116-136): KDYITIQSIA[Ala126Gly]SSIVTLYATD

ClinVar aggregate classification (germline): Uncertain significance. Review status: criteria provided, multiple submitters, no conflicts (2 of 4 stars). 2 submissions from 2 submitters: Uncertain significance (2). Last evaluated 2025-03-07.

Conditions:
Cardiovascular phenotype. Identifiers: MedGen CN230736.

Allele frequency attached by ClinVar (database versions not stated): ExAC 0.00005.
gnomAD v4.1: 12 of 1,612,252 alleles (0.00074%); highest among the groups gnomAD compares: Admixed American, 0.018%; no homozygotes.

Submissions (2):

Ambry Genetics
Classification: Uncertain significance for Cardiovascular phenotype. Last evaluated: 2025-03-07. Review status: criteria provided, single submitter. Criteria: Ambry Variant Classification Scheme 2023. Collection method: clinical testing. Allele origin: germline.

GeneDx
Classification: Uncertain significance. Last evaluated: 2023-04-12. Review status: criteria provided, single submitter. Criteria: GeneDx Variant Classification Process June 2021. Collection method: clinical testing. Allele origin: germline. Affected: yes.
Comment: Has not been previously published as pathogenic or benign to our knowledge; In silico analysis supports that this missense variant has a deleterious effect on protein structure/function